The following is an entry in ClinVar:

NM_014806.5(RUSC2):c.487C>T (p.Arg163Cys)

Gene: RUSC2 (RUN and SH3 domain containing 2; plus strand). Cytogenetic location: 9p13.3.
Variant type: single nucleotide variant.
Coding change: c.487C>T on transcript NM_014806.5 (MANE Select); coding-DNA position 487, C replaced by T.
Protein change: p.Arg163Cys; replaces arginine 163 with cysteine.
Molecular consequence: missense variant. On other transcripts: non-coding transcript variant (1), intron variant (1).
Genome position (GRCh38, 1-based): chr9:35,547,008, C>T. VCF-style: chr9-35547008-C-T. GRCh37 (hg19) VCF-style: chr9-35547005-C-T.
Other names: c.487C>T, p.Arg163Cys (NM_001135999.2); c.-620-8052C>T (NM_001330740.2); c.487C>T (NM_001135999.1); short protein forms R163C.
Identifiers: ClinVar variation 1437675 (VCV001437675.4), dbSNP rs377583326, ClinGen allele CA5043474.

ClinVar aggregate classification (germline): Uncertain significance. Review status: criteria provided, multiple submitters, no conflicts (2 of 4 stars). 2 submissions from 2 submitters: Uncertain significance (2). Last evaluated 2025-08-13.

Allele frequency attached by ClinVar (database versions not stated): gnomAD 0.00002 and 0.00003; TOPMed 0.00004; ESP Exome Variant Server 0.00008; gnomAD exomes 0.00014; ExAC 0.00015.

Submissions (2):

Ambry Genetics
Classification: Uncertain significance. Last evaluated: 2025-08-13. Review status: criteria provided, single submitter. Criteria: Ambry Variant Classification Scheme 2023. Collection method: clinical testing. Allele origin: germline.

Labcorp Genetics (formerly Invitae), Labcorp
Classification: Uncertain significance. Last evaluated: 2022-08-09. Review status: criteria provided, single submitter. Criteria: Invitae Variant Classification Sherloc (09022015). Collection method: clinical testing. Allele origin: germline.
Comment: This sequence change replaces arginine, which is basic and polar, with cysteine, which is neutral and slightly polar, at codon 163 of the RUSC2 protein (p.Arg163Cys). This variant is present in population databases (rs377583326, gnomAD 0.08%). This variant has not been reported in the literature in individuals affected with RUSC2-related conditions. ClinVar contains an entry for this variant (Variation ID: 1437675). Algorithms developed to predict the effect of missense changes on protein structure and function are either unavailable or do not agree on the potential impact of this missense change (SIFT: "Deleterious"; PolyPhen-2: "Possibly Damaging"; Align-GVGD: "Class C0"). In summary, the available evidence is currently insufficient to determine the role of this variant in disease. Therefore, it has been classified as a Variant of Uncertain Significance.